The following is an entry in ClinVar:

NM_000214.3(JAG1):c.66_67del (p.Ala23fs)

Gene: JAG1 (jagged canonical Notch ligand 1; minus strand). Cytogenetic location: 20p12.2.
Variant type: Microsatellite.
Coding change: c.66_67del on transcript NM_000214.3 (MANE Select); coding-DNA positions 66 to 67, 2 bases deleted (TG; older notation c.66_67delTG).
Protein change: p.Ala23fs; shifts the reading frame from alanine 23.
Molecular consequence: frameshift variant.
Genome position (GRCh38, 1-based): chr20:10,673,464-10,673,465, CA deleted on the plus strand (TG on the coding strand, the reverse complement: JAG1 is on the minus strand); deleting any 2 consecutive bases within chr20:10,673,464-10,673,467 gives the same sequence; the c. name uses the placement nearest the transcript's 3' end. VCF-style (leftmost placement, unchanged base first): chr20-10673463-GCA-G. GRCh37 (hg19) VCF-style: chr20-10654111-GCA-G.
Other names: short protein forms A23fs.
Identifiers: ClinVar variation 4854236 (VCV004854236.1).

ClinVar aggregate classification (germline): Pathogenic (1 of 4 stars; one submission).

Conditions:
Alagille syndrome due to a JAG1 point mutation. Also called: Alagille Syndrome 1; JAG1-Related Alagille Syndrome; HEPATIC DUCTULAR HYPOPLASIA, SYNDROMATIC. Identifiers: Orphanet 261619, Orphanet 52, MedGen C1956125, MONDO:0016862, OMIM 118450.

Submission:

3billion
Classification: Pathogenic for Alagille syndrome due to a JAG1 point mutation. Last evaluated: 2026-01-21. Review status: criteria provided, single submitter. Criteria: ACMG Guidelines, 2015. Collection method: clinical testing. Allele origin: germline. Affected: yes.
Comment: The variant is not observed in the gnomAD v4.1.0 dataset. Predicted Consequence/Location: Frameshift: predicted to result in a loss or disruption of normal protein function through nonsense-mediated decay (NMD) or protein truncation. Multiple pathogenic variants are reported downstream of the variant. The variant has been reported to be associated with JAG1-related disorder (PMID: 11180599). Therefore, this variant is classified as Pathogenic according to the recommendation of ACMG/AMP guideline.

Literature cited by the submitters: PubMed 11180599.